The following is an entry in ClinVar:

ClinVar aggregate classification (germline): Uncertain significance (1 of 4 stars; one submission).

Submission:

Greenwood Genetic Center Diagnostic Laboratories, Greenwood Genetic Center
Classification: Uncertain significance. Last evaluated: 2024-03-21. Review status: criteria provided, single submitter. Criteria: ACMG Guidelines, 2015. Collection method: clinical testing. Allele origin: germline. Affected: yes.
Comment: Gene of Uncertain Significance

NM_004673.4(ANGPTL1):c.128A>G (p.Lys43Arg)

Genes: ANGPTL1 (angiopoietin like 1; minus strand), RALGPS2 (Ral GEF with PH domain and SH3 binding motif 2; plus strand). Cytogenetic location: 1q25.2.
Variant type: single nucleotide variant.
Coding change: c.128A>G on transcript NM_004673.4 (MANE Select); coding-DNA position 128, A replaced by G.
Protein change: p.Lys43Arg; replaces lysine 43 with arginine.
Molecular consequence: missense variant. On other transcripts: intron variant (3).
Genome position (GRCh38, 1-based): chr1:178,865,649, T>C on the plus strand (A>G on the coding strand, the complement: ANGPTL1 is on the minus strand). VCF-style: chr1-178865649-T-C. GRCh37 (hg19) VCF-style: chr1-178834784-T-C.
Other names: c.128A>G, p.Lys43Arg (NM_001376763.1); c.608-11849T>C (NM_152663.5, NM_001400042.1, NM_001286247.2); short protein forms K43R.
Identifiers: ClinVar variation 3235806 (VCV003235806.1), dbSNP rs1558159985, ClinGen allele CA343528997.